The following is an entry in ClinVar:

ClinVar aggregate classification (germline): Uncertain significance. Review status: criteria provided, multiple submitters, no conflicts (2 of 4 stars). 3 submissions from 3 submitters: Uncertain significance (3). Last evaluated 2024-11-01.

Conditions:
Epilepsy, familial adult myoclonic, 5 (EPEO5). Also called: CORTICAL MYOCLONIC TREMOR WITH EPILEPSY, FAMILIAL, 5. Identifiers: Orphanet 86814, MedGen C3809374, MONDO:0014167, OMIM 615400.

Allele frequency attached by ClinVar (database versions not stated): gnomAD exomes 0.00004 and 0.00013; ExAC 0.00005; gnomAD 0.00009; TOPMed 0.00012; ESP Exome Variant Server 0.00023.
gnomAD v4.1: 218 of 1,613,844 alleles (0.014%); highest among the groups gnomAD compares: Non-Finnish European, 0.017%; no homozygotes.

Submissions (3):

Women's Health and Genetics/Laboratory Corporation of America, LabCorp
Classification: Uncertain significance. Last evaluated: 2024-11-01. Review status: criteria provided, single submitter. Criteria: LabCorp Variant Classification Summary - May 2015. Collection method: clinical testing. Allele origin: germline.
Comment: Variant summary: CNTN2 c.2464A>C (p.Lys822Gln) results in a conservative amino acid change located in the Fibronectin type III domain (IPR003961) of the encoded protein sequence. Five of five in-silico tools predict a benign effect of the variant on protein function. The variant allele was found at a frequency of 4.4e-05 in 251002 control chromosomes. This frequency is not significantly higher than estimated for a pathogenic variant in CNTN2 causing Epilepsy, Familial Adult Myoclonic, 5, allowing no conclusion about variant significance. To our knowledge, no occurrence of c.2464A>C in individuals affected with Epilepsy, Familial Adult Myoclonic, 5 and no experimental evidence demonstrating its impact on protein function have been reported. ClinVar contains an entry for this variant (Variation ID: 1044526). Based on the evidence outlined above, the variant was classified as uncertain significance.

Ambry Genetics
Classification: Uncertain significance. Last evaluated: 2023-03-27. Review status: criteria provided, single submitter. Criteria: Ambry Variant Classification Scheme 2023. Collection method: clinical testing. Allele origin: germline.

Labcorp Genetics (formerly Invitae), Labcorp
Classification: Uncertain significance for Epilepsy, familial adult myoclonic, 5. Last evaluated: 2022-08-31. Review status: criteria provided, single submitter. Criteria: Invitae Variant Classification Sherloc (09022015). Collection method: clinical testing. Allele origin: germline.
Comment: This sequence change replaces lysine, which is basic and polar, with glutamine, which is neutral and polar, at codon 822 of the CNTN2 protein (p.Lys822Gln). This variant is present in population databases (rs141428194, gnomAD 0.006%). This variant has not been reported in the literature in individuals affected with CNTN2-related conditions. ClinVar contains an entry for this variant (Variation ID: 1044526). Advanced modeling of protein sequence and biophysical properties (such as structural, functional, and spatial information, amino acid conservation, physicochemical variation, residue mobility, and thermodynamic stability) performed at Invitae indicates that this missense variant is not expected to disrupt CNTN2 protein function. In summary, the available evidence is currently insufficient to determine the role of this variant in disease. Therefore, it has been classified as a Variant of Uncertain Significance.

NM_005076.5(CNTN2):c.2464A>C (p.Lys822Gln)

Gene: CNTN2 (contactin 2; plus strand). Cytogenetic location: 1q32.1.
Variant type: single nucleotide variant.
Coding change: c.2464A>C on transcript NM_005076.5 (MANE Select); coding-DNA position 2464, A replaced by C.
Protein change: p.Lys822Gln; replaces lysine 822 with glutamine.
Molecular consequence: missense variant. On other transcripts: non-coding transcript variant (1).
Genome position (GRCh38, 1-based): chr1:205,070,458, A>C. VCF-style: chr1-205070458-A-C. GRCh37 (hg19) VCF-style: chr1-205039586-A-C.
Other names: c.2464A>C, p.Lys822Gln (NM_001346083.2); c.2464A>C (NM_005076.3); short protein forms K822Q.
Identifiers: ClinVar variation 1044526 (VCV001044526.8), dbSNP rs141428194, ClinGen allele CA1351704.